The following is an entry in ClinVar:

ClinVar aggregate classification (germline): Pathogenic (1 of 4 stars; one submission).

Submission:

GeneDx
Classification: Pathogenic. Last evaluated: 2019-06-27. Review status: criteria provided, single submitter. Criteria: GeneDx Variant Classification Process June 2021. Collection method: clinical testing. Allele origin: germline. Affected: yes.
Comment: Frameshift variant predicted to result in protein truncation or nonsense mediated decay in a gene for which loss-of-function is a known mechanism of disease; Not observed in large population cohorts (Lek et al., 2016); Has not been previously published as pathogenic or benign to our knowledge

NM_006565.4(CTCF):c.1580dup (p.His527fs)

Gene: CTCF (CCCTC-binding factor; plus strand). Cytogenetic location: 16q22.1.
Variant type: Duplication.
Coding change: c.1580dup on transcript NM_006565.4 (MANE Select); coding-DNA position 1580, one base duplicated (A; older notation c.1580dupA).
Protein change: p.His527fs; shifts the reading frame from histidine 527.
Molecular consequence: frameshift variant.
Genome position (GRCh38, 1-based): chr16:67,628,431, A duplicated. VCF-style (leftmost placement, unchanged base first): chr16-67628430-C-CA. GRCh37 (hg19) VCF-style: chr16-67662333-C-CA.
Other names: c.596dup, p.His199fs (NM_001191022.2); c.1580dup, p.His527Glnfs (NM_001363916.2); short protein forms H199fs, H527fs.
Identifiers: ClinVar variation 1301472 (VCV001301472.2), dbSNP rs2142866705, ClinGen allele CA2573054256.